The following is an entry in ClinVar:

ClinVar aggregate classification (germline): Uncertain significance (1 of 4 stars; one submission).

Conditions:
POLD1-related polyposis and colorectal cancer syndrome (CRCS10). Also called: Colorectal cancer 10; COLORECTAL CANCER, SUSCEPTIBILITY TO, ON CHROMOSOME 19q; Colorectal cancer, susceptibility to, 10. Identifiers: Orphanet 220460, MedGen C2675481, MONDO:0012953, OMIM 612591.

Submission:

Labcorp Genetics (formerly Invitae), Labcorp
Classification: Uncertain significance for POLD1-related polyposis and colorectal cancer syndrome. Last evaluated: 2021-04-23. Review status: criteria provided, single submitter. Criteria: Invitae Variant Classification Sherloc (09022015). Collection method: clinical testing. Allele origin: germline.
Comment: This sequence change replaces glycine with tryptophan at codon 64 of the POLD1 protein (p.Gly64Trp). The glycine residue is weakly conserved and there is a large physicochemical difference between glycine and tryptophan. This variant is not present in population databases (ExAC no frequency). In summary, the available evidence is currently insufficient to determine the role of this variant in disease. Therefore, it has been classified as a Variant of Uncertain Significance. Algorithms developed to predict the effect of missense changes on protein structure and function are either unavailable or do not agree on the potential impact of this missense change (SIFT: "Deleterious"; PolyPhen-2: "Possibly Damaging"; Align-GVGD: "Class C0"). This variant has not been reported in the literature in individuals with POLD1-related conditions.

NM_002691.4(POLD1):c.190G>T (p.Gly64Trp)

Gene: POLD1 (DNA polymerase delta 1, catalytic subunit; plus strand). Cytogenetic location: 19q13.33.
Variant type: single nucleotide variant.
Coding change: c.190G>T on transcript NM_002691.4 (MANE Select); coding-DNA position 190, G replaced by T.
Protein change: p.Gly64Trp; replaces glycine 64 with tryptophan.
Molecular consequence: missense variant. On other transcripts: non-coding transcript variant (1).
Genome position (GRCh38, 1-based): chr19:50,399,041, G>T. VCF-style: chr19-50399041-G-T. GRCh37 (hg19) VCF-style: chr19-50902298-G-T.
Other names: c.190G>T, p.Gly64Trp (NM_001256849.1, NM_001308632.1); short protein forms G64W.
Identifiers: ClinVar variation 1054019 (VCV001054019.9), dbSNP rs2122197687, ClinGen allele CA406970343.